The following is an entry in ClinVar:

NM_000525.4(KCNJ11):c.161G>A (p.Arg54His)

Gene: KCNJ11 (potassium inwardly rectifying channel subfamily J member 11; minus strand). Cytogenetic location: 11p15.1.
Variant type: single nucleotide variant.
Coding change: c.161G>A on transcript NM_000525.4 (MANE Select); coding-DNA position 161, G replaced by A.
Protein change: p.Arg54His; replaces arginine 54 with histidine.
Molecular consequence: missense variant. On other transcripts: intron variant (3).
Genome position (GRCh38, 1-based): chr11:17,387,931, C>T on the plus strand (G>A on the coding strand, the complement: KCNJ11 is on the minus strand). VCF-style: chr11-17387931-C-T. GRCh37 (hg19) VCF-style: chr11-17409478-C-T.
Other names: c.-16-85G>A (NM_001166290.2, NM_001377297.1, NM_001377296.1); short protein forms R54H.
Identifiers: ClinVar variation 158673 (VCV000158673.10), dbSNP rs587783666, ClinGen allele CA271562.

ClinVar aggregate classification (germline): Conflicting classifications of pathogenicity. Review status: criteria provided, conflicting classifications (1 of 4 stars). 4 submissions from 4 submitters: Likely pathogenic (1); Uncertain significance (1); Benign (1). 1 of the submissions does not count toward it. Last evaluated 2025-10-10.

Conditions:
Hyperinsulinemic hypoglycemia. Also called: Hyperinsulinemia hypoglycemia; Hyperinsulinemic hypoglycemia (disease). Identifiers: Orphanet 443095, MedGen C1864903, MONDO:0005803, HP:0000825.
Maturity-onset diabetes of the young type 13. Also called: MODY, TYPE 13. Identifiers: Orphanet 552, MedGen C4225365, MONDO:0014589, OMIM 616329.
Hyperinsulinemic hypoglycemia, familial, 2. Also called: HYPERINSULINEMIC HYPOGLYCEMIA, PERSISTENT; HYPERINSULINISM, NEONATAL. Identifiers: Orphanet 276580, Orphanet 276603, MedGen C2931833, MONDO:0011153, OMIM 601820. Disease mechanism: loss of function.

Allele frequency attached by ClinVar (database versions not stated): gnomAD exomes below 0.00001; ExAC 0.00001.

Submissions (4):

Labcorp Genetics (formerly Invitae), Labcorp
Classification: Likely pathogenic. Last evaluated: 2025-10-10. Review status: criteria provided, single submitter. Criteria: Invitae Variant Classification Sherloc (09022015). Collection method: clinical testing. Allele origin: germline.
Comment: This sequence change replaces arginine, which is basic and polar, with histidine, which is basic and polar, at codon 54 of the KCNJ11 protein (p.Arg54His). This variant is present in population databases (rs587783666, gnomAD 0.0009%). This missense change has been observed in individual(s) with clinical features of KCNJ11-related conditions (PMID: 23345197; internal data). It has also been observed to segregate with disease in related individuals. ClinVar contains an entry for this variant (Variation ID: 158673). Invitae Evidence Modeling of protein sequence and biophysical properties (such as structural, functional, and spatial information, amino acid conservation, physicochemical variation, residue mobility, and thermodynamic stability) indicates that this missense variant is expected to disrupt KCNJ11 protein function with a positive predictive value of 95%. In summary, the currently available evidence indicates that the variant is pathogenic, but additional data are needed to prove that conclusively. Therefore, this variant has been classified as Likely Pathogenic.

Genetic Services Laboratory, University of Chicago
Classification: Uncertain significance for Hyperinsulinemic hypoglycemia, familial, 2. Last evaluated: 2014-02-24. Review status: criteria provided, single submitter. Criteria: ACMG Guidelines, 2007. Collection method: clinical testing. Allele origin: germline. Inheritance: Autosomal unknown.

Clinical Genomics, Uppaluri K&H Personalized Medicine Clinic
Classification: Benign for Hyperinsulinemic hypoglycemia. Review status: criteria provided, single submitter. Criteria: K & H Uppaluri Personalized Medicine Clinic Variant Classification & Assertion Criteria_Updated V.1. Collection method: research. Allele origin: somatic. Inheritance: Autosomal dominant inheritance. Affected: yes.
Comment: Mutations in KCNJ11 gene can cause decreased production and secretion of insulin. This can lead to MODY which is responsive to oral sulfonylureas. This particular variant rs587783666 is associated with persistent hyperinsulinemic hypoglycemia of infancy.

Seattle Children's Hospital Molecular Genetics Laboratory, Seattle Children's Hospital
Classification: Likely pathogenic for Maturity-onset diabetes of the young type 13. Review status: no assertion criteria provided. Collection method: clinical testing. Allele origin: germline. Affected: yes. Not counted in ClinVar's aggregate classification.

Literature cited by the submitters: PubMed 23345197 (cited by Labcorp Genetics (formerly Invitae), Labcorp); PubMed 32935446 (cited by Clinical Genomics, Uppaluri K&H Personalized Medicine Clinic).